The following is an entry in ClinVar:

ClinVar aggregate classification (germline): Uncertain significance (1 of 4 stars; one submission).

Conditions:
Episodic ataxia type 2 (EA2). Also called: ATAXIA, EPISODIC, WITH NYSTAGMUS; ATAXIA, FAMILIAL PAROXYSMAL; ACETAZOLAMIDE-RESPONSIVE HEREDITARY PAROXYSMAL CEREBELLAR ATAXIA; CEREBELLAR ATAXIA, PAROXYSMAL, ACETAZOLAMIDE-RESPONSIVE; CEREBELLOPATHY, HEREDITARY PAROXYSMAL; EPISODIC ATAXIA, NYSTAGMUS-ASSOCIATED. Identifiers: Orphanet 97, MedGen C1720416, MONDO:0007163, OMIM 108500.
Developmental and epileptic encephalopathy, 42 (DEE42A). Also called: Epileptic encephalopathy, early infantile, 42; DEVELOPMENTAL AND EPILEPTIC ENCEPHALOPATHY 42A; EPILEPTIC ENCEPHALOPATHY, EARLY INFANTILE, 42A. Identifiers: MedGen C4310716, MONDO:0014917, OMIM 617106.

gnomAD v4.1: 3 of 1,612,946 alleles (0.00019%); highest among the groups gnomAD compares: Non-Finnish European, 0.00025%; no homozygotes.

Submission:

Labcorp Genetics (formerly Invitae), Labcorp
Classification: Uncertain significance for Developmental and epileptic encephalopathy, 42; Episodic ataxia type 2. Last evaluated: 2024-12-30. Review status: criteria provided, single submitter. Criteria: Invitae Variant Classification Sherloc (09022015). Collection method: clinical testing. Allele origin: germline.
Comment: This sequence change replaces histidine, which is basic and polar, with tyrosine, which is neutral and polar, at codon 819 of the CACNA1A protein (p.His819Tyr). This variant is not present in population databases (gnomAD no frequency). This variant has not been reported in the literature in individuals affected with CACNA1A-related conditions. Invitae Evidence Modeling of protein sequence and biophysical properties (such as structural, functional, and spatial information, amino acid conservation, physicochemical variation, residue mobility, and thermodynamic stability) indicates that this missense variant is not expected to disrupt CACNA1A protein function with a negative predictive value of 95%. In summary, the available evidence is currently insufficient to determine the role of this variant in disease. Therefore, it has been classified as a Variant of Uncertain Significance.

NM_001127222.2(CACNA1A):c.2452C>T (p.His818Tyr)

Gene: CACNA1A (calcium voltage-gated channel subunit alpha1 A; minus strand). Cytogenetic location: 19p13.13.
Variant type: single nucleotide variant.
Coding change: c.2452C>T on transcript NM_001127222.2 (MANE Select); coding-DNA position 2452, C replaced by T.
Protein change: p.His818Tyr; replaces histidine 818 with tyrosine.
Molecular consequence: missense variant.
Genome position (GRCh38, 1-based): chr19:13,299,181, G>A on the plus strand (C>T on the coding strand, the complement: CACNA1A is on the minus strand). VCF-style: chr19-13299181-G-A. GRCh37 (hg19) VCF-style: chr19-13409995-G-A.
Other names: c.2464C>T, p.His822Tyr (NM_000068.4, NM_023035.3); c.2455C>T, p.His819Tyr (NM_001127221.2, NM_001174080.2); short protein forms H818Y, H819Y, H822Y.
Identifiers: ClinVar variation 3751511 (VCV003751511.2).